The following is an entry in ClinVar:

ClinVar aggregate classification (germline): Pathogenic (1 of 4 stars; one submission).

Conditions:
Autosomal dominant hypocalcemia 1 (HYPOC1). Also called: HYPOCALCEMIA, FAMILIAL. Identifiers: MedGen C3715128, MONDO:0011013, OMIM 601198.
Familial hypocalciuric hypercalcemia (FHH). Also called: Familial benign hypercalcemia. Identifiers: Orphanet 405, MedGen C1809471, MONDO:0018458.

Submission:

Labcorp Genetics (formerly Invitae), Labcorp
Classification: Pathogenic for Familial hypocalciuric hypercalcemia; Autosomal dominant hypocalcemia 1. Last evaluated: 2025-08-23. Review status: criteria provided, single submitter. Criteria: Invitae Variant Classification Sherloc (09022015). Collection method: clinical testing. Allele origin: germline.
Comment: This sequence change creates a premature translational stop signal (p.Arg96Glyfs*17) in the CASR gene. It is expected to result in an absent or disrupted protein product. Loss-of-function variants in CASR are known to be pathogenic (PMID: 11807402, 14985373, 22422767). This variant is not present in population databases (gnomAD no frequency). This variant has not been reported in the literature in individuals affected with CASR-related conditions. For these reasons, this variant has been classified as Pathogenic.

Literature cited by the submitters: PubMed 11807402; PubMed 14985373; PubMed 22422767.

NM_000388.4(CASR):c.286del (p.Arg96fs)

Gene: CASR (calcium sensing receptor; plus strand). Cytogenetic location: 3q21.1.
Variant type: Deletion.
Coding change: c.286del on transcript NM_000388.4 (MANE Select); coding-DNA position 286, one base deleted (A; older notation c.286delA).
Protein change: p.Arg96fs; shifts the reading frame from arginine 96.
Molecular consequence: frameshift variant.
Genome position (GRCh38, 1-based): chr3:122,257,181, A deleted. VCF-style (leftmost placement, unchanged base first): chr3-122257180-CA-C. GRCh37 (hg19) VCF-style: chr3-121976027-CA-C.
Other names: c.286del, p.Arg96fs (NM_001178065.2); short protein forms R96fs.
Identifiers: ClinVar variation 4791916 (VCV004791916.1).